The following is an entry in ClinVar:

NM_000548.5(TSC2):c.1617C>T (p.Leu539=)

Gene: TSC2 (TSC complex subunit 2; plus strand). Cytogenetic location: 16p13.3.
Variant type: single nucleotide variant.
Coding change: c.1617C>T on transcript NM_000548.5 (MANE Select); coding-DNA position 1617, C replaced by T.
Protein change: p.Leu539=; no amino-acid change (leucine 539 retained).
Molecular consequence: synonymous variant.
Genome position (GRCh38, 1-based): chr16:2,065,536, C>T. VCF-style: chr16-2065536-C-T. GRCh37 (hg19) VCF-style: chr16-2115537-C-T.
Other names: c.1617C>T, p.Leu539= (NM_001077183.3, NM_001114382.3, NM_001363528.2 and 3 more transcripts); c.1506C>T, p.Leu502= (NM_001318827.2); c.1470C>T, p.Leu490= (NM_001318829.2); c.1017C>T, p.Leu339= (NM_001318831.2); c.1650C>T, p.Leu550= (NM_001318832.2); c.1617C>T (NM_000548.3).
Identifiers: ClinVar variation 1158154 (VCV001158154.11), dbSNP rs1596317183, ClinGen allele CA492947804.
Genomic context (GRCh38, chr16:2,065,536, plus strand): 5'-AGAACCATGAGCCTGTGTGTAAGTCCTGGCCTTCTCTTCAAAGGTGATGGCCCGCTCCCT[C>T]TCCCCACCCCCGGAGCTGGAAGAAAGGGATGTGGCCGCATACTCGGCCTCCTTGGAGGAT-3'
Protein context (NP_000539.2, residues 529-549): DIIEKVMARS[Leu539=]SPPPELEERD

ClinVar aggregate classification (germline): Benign/Likely benign. Review status: criteria provided, multiple submitters, no conflicts (2 of 4 stars). 3 submissions from 3 submitters: Benign (1); Likely benign (2). Last evaluated 2025-11-09.

Conditions:
Tuberous sclerosis 2 (TSC2). Identifiers: Orphanet 805, MedGen C1860707, MONDO:0013199, OMIM 613254.
Hereditary cancer-predisposing syndrome. Also called: Neoplastic Syndromes, Hereditary; Hereditary Cancer Syndrome; Hereditary neoplastic syndrome; Tumor predisposition. Identifiers: Orphanet 140162, MedGen C0027672, MeSH D009386, MONDO:0015356.

Submissions (3):

Ambry Genetics
Classification: Likely benign for Hereditary cancer-predisposing syndrome. Last evaluated: 2025-11-09. Review status: criteria provided, single submitter. Criteria: Ambry Variant Classification Scheme 2023. Collection method: clinical testing. Allele origin: germline.

Labcorp Genetics (formerly Invitae), Labcorp
Classification: Likely benign for Tuberous sclerosis 2. Last evaluated: 2025-07-02. Review status: criteria provided, single submitter. Criteria: Invitae Variant Classification Sherloc (09022015). Collection method: clinical testing. Allele origin: germline.

Myriad Genetics, Inc.
Classification: Benign for Tuberous sclerosis 2. Last evaluated: 2025-05-15. Review status: criteria provided, single submitter. Criteria: Myriad Autosomal Dominant, Autosomal Recessive and X-Linked Classification Criteria (2023). Collection method: clinical testing. Allele origin: unknown.
Comment: This variant is considered benign. This variant is a silent/synonymous amino acid change and it is not expected to impact splicing.